The following is an entry in ClinVar:

ClinVar aggregate classification (germline): Pathogenic. Review status: reviewed by expert panel (3 of 4 stars). 10 submissions from 10 submitters: Pathogenic (1). 9 of the submissions do not count toward it. Last evaluated 2016-09-08.

Conditions:
Hereditary cancer-predisposing syndrome. Also called: Neoplastic Syndromes, Hereditary; Hereditary neoplastic syndrome; Hereditary Cancer Syndrome; Tumor predisposition. Identifiers: Orphanet 140162, MedGen C0027672, MeSH D009386, MONDO:0015356.
Hereditary breast ovarian cancer syndrome. Also called: Breast and ovarian cancer; BRCA1- and BRCA2-Associated Hereditary Breast and Ovarian Cancer; Hereditary breast and ovarian cancer syndrome (HBOC); Hereditary breast and/or ovarian cancer syndrome; Hereditary breast and ovarian cancer; Hereditary breast and ovarian cancer syndrome. Identifiers: Orphanet 145, MedGen C0677776, MeSH D061325, MONDO:0003582. Disease mechanism: loss of function.
Breast-ovarian cancer, familial, susceptibility to, 2 (BROVCA2). Also called: BRCA2 Hereditary Breast and Ovarian Cancer. Identifiers: Orphanet 145, MedGen C2675520, MONDO:0012933, OMIM 612555. Disease mechanism: loss of function.
Familial cancer of breast. Also called: hereditary breast carcinoma; Hereditary breast cancer; BREAST CANCER, FAMILIAL. Identifiers: Orphanet 227535, MedGen C0346153, MONDO:0016419, OMIM 114480. Disease mechanism: loss of function.

Submissions (10):

Evidence-based Network for the Interpretation of Germline Mutant Alleles (ENIGMA)
Classification: Pathogenic for Breast-ovarian cancer, familial, susceptibility to, 2. Last evaluated: 2016-09-08. Review status: reviewed by expert panel. Criteria: ENIGMA BRCA1/2 Classification Criteria (2015). Collection method: curation. Allele origin: germline.
Comment: Variant allele predicted to encode a truncated non-functional protein.

Labcorp Genetics (formerly Invitae), Labcorp
Classification: Pathogenic for Hereditary breast ovarian cancer syndrome. Last evaluated: 2025-12-13. Review status: criteria provided, single submitter. Criteria: Invitae Variant Classification Sherloc (09022015). Collection method: clinical testing. Allele origin: germline. Not counted in ClinVar's aggregate classification.
Comment: This sequence change creates a premature translational stop signal (p.Ile1167Asnfs*16) in the BRCA2 gene. It is expected to result in an absent or disrupted protein product. Loss-of-function variants in BRCA2 are known to be pathogenic (PMID: 20104584). This variant is present in population databases (rs80359387, gnomAD 0.0009%). This premature translational stop signal has been observed in individual(s) with BRCA2-related conditions (PMID: 10923033). ClinVar contains an entry for this variant (Variation ID: 51478). For these reasons, this variant has been classified as Pathogenic.

GeneDx
Classification: Pathogenic. Last evaluated: 2025-08-10. Review status: criteria provided, single submitter. Criteria: GeneDx Variant Classification Process June 2021. Collection method: clinical testing. Allele origin: germline. Not counted in ClinVar's aggregate classification.
Comment: Frameshift variant predicted to result in protein truncation or nonsense mediated decay in a gene for which loss of function is a known mechanism of disease; Observed in individual(s) with personal and/or family history consistent with pathogenic variants in this gene (PMID: 28888541); Not observed at significant frequency in large population cohorts (gnomAD); Truncating variants in this gene are considered pathogenic by a well-established clinical consortium and/or database; Also known as 3728_3729del; This variant is associated with the following publications: (PMID: 25827447, 29922827, 31853058, 28888541)

Color Diagnostics, LLC DBA Color Health
Classification: Pathogenic for Hereditary cancer-predisposing syndrome. Last evaluated: 2025-02-18. Review status: criteria provided, single submitter. Criteria: ACMG Guidelines, 2015. Collection method: clinical testing. Allele origin: germline. Not counted in ClinVar's aggregate classification.
Comment: This variant deletes 2 nucleotides in exon 11 of the BRCA2 gene, creating a frameshift and premature translation stop signal. This variant is expected to result in an absent or non-functional protein product. This variant has been reported in a suspected hereditary breast and ovarian cancer family (PMID: 29446198). A multifactorial analysis has reported a likelihood ratio for pathogenicity based on personal and family history of 2.624 from log(LR)=0.419034839 for three carriers (PMID: 31853058). This variant has been identified in 1/250856 chromosomes in the general population by the Genome Aggregation Database (gnomAD). Loss of BRCA2 function is a known mechanism of disease. Based on the available evidence, this variant is classified as Pathogenic.

Ambry Genetics
Classification: Pathogenic for Hereditary cancer-predisposing syndrome. Last evaluated: 2024-12-03. Review status: criteria provided, single submitter. Criteria: Ambry Variant Classification Scheme 2023. Collection method: clinical testing. Allele origin: germline. Not counted in ClinVar's aggregate classification.
Comment: The c.3500_3501delTA pathogenic mutation, located in coding exon 10 of the BRCA2 gene, results from a deletion of two nucleotides at nucleotide positions 3500 to 3501, causing a translational frameshift with a predicted alternate stop codon (p.I1167Nfs*16). This variant was identified in a large, worldwide study of BRCA1/2 mutation positive families (Rebbeck TR et al. Hum Mutat, 2018 05;39:593-620). In addition to the clinical data presented in the literature, this alteration is expected to result in loss of function by premature protein truncation or nonsense-mediated mRNA decay. As such, this alteration is interpreted as a disease-causing mutation.

Baylor Genetics
Classification: Pathogenic for Familial cancer of breast. Last evaluated: 2022-08-23. Review status: criteria provided, single submitter. Criteria: ACMG Guidelines, 2015. Collection method: clinical testing. Allele origin: unknown. Not counted in ClinVar's aggregate classification.

Quest Diagnostics Nichols Institute San Juan Capistrano
Classification: Pathogenic. Last evaluated: 2019-01-17. Review status: criteria provided, single submitter. Criteria: Quest Diagnostics criteria. Collection method: clinical testing. Allele origin: germline. Not counted in ClinVar's aggregate classification.
Comment: The variant results in a shift of the reading frame, and is therefore predicted to result in the loss of a functional protein. Found in at least one symptomatic patient, and found in general population data that is consistent with pathogenicity.

Consortium of Investigators of Modifiers of BRCA1/2 (CIMBA), c/o University of Cambridge
Classification: Pathogenic for Breast-ovarian cancer, familial, susceptibility to, 2. Last evaluated: 2015-10-02. Review status: criteria provided, single submitter. Criteria: CIMBA Mutation Classification guidelines May 2016. Collection method: clinical testing. Allele origin: germline. Not counted in ClinVar's aggregate classification.

Counsyl
Classification: Pathogenic for Breast-ovarian cancer, familial, susceptibility to, 2. Last evaluated: 2017-04-11. Review status: no assertion criteria provided. Collection method: clinical testing. Allele origin: unknown. Not counted in ClinVar's aggregate classification.

Breast Cancer Information Core (BIC) (BRCA2)
Classification: Pathogenic for Breast-ovarian cancer, familial 2. Last evaluated: 2004-02-20. Review status: no assertion criteria provided. Collection method: clinical testing. Allele origin: germline. Affected: yes. Observed: 3 variant alleles. Not counted in ClinVar's aggregate classification.

Literature cited by the submitters: PubMed 20104584 (cited by Labcorp Genetics (formerly Invitae), Labcorp); PubMed 10923033 (cited by Labcorp Genetics (formerly Invitae), Labcorp); PubMed 29446198 (cited by Color Diagnostics, LLC DBA Color Health and Ambry Genetics); PubMed 31853058 (cited by Color Diagnostics, LLC DBA Color Health); PubMed 29922827 (cited by Quest Diagnostics Nichols Institute San Juan Capistrano); PubMed 25827447 (cited by Counsyl).

NM_000059.4(BRCA2):c.3500_3501del (p.Ile1167fs)

Gene: BRCA2 (BRCA2 DNA repair associated; plus strand). Cytogenetic location: 13q13.1.
Variant type: Deletion.
Coding change: c.3500_3501del on transcript NM_000059.4 (MANE Select); coding-DNA positions 3500 to 3501, 2 bases deleted (TA; older notation c.3500_3501delTA).
Protein change: p.Ile1167fs; shifts the reading frame from isoleucine 1167.
Molecular consequence: frameshift variant.
Genome position (GRCh38, 1-based): chr13:32,337,855-32,337,856, TA deleted; deleting any 2 consecutive bases within chr13:32,337,854-32,337,856 gives the same sequence; the c. name uses the placement nearest the transcript's 3' end. VCF-style (leftmost placement, unchanged base first): chr13-32337853-CAT-C. GRCh37 (hg19) VCF-style: chr13-32911990-CAT-C.
Other names: 3728delTA; c.3500_3501delTA (NM_000059.3).
Identifiers: ClinVar variation 51478 (VCV000051478.27), dbSNP rs80359387, ClinGen allele CA018202.
Genomic context (GRCh38, chr13:32,337,853, plus strand): 5'-AAACCAGATGACTATCTTAAAGACCACTTCTGAGGAATGCAGAGATGCTGATCTTCATGT[CAT>C]AATGAATGCCCCATCGATTGGTCAGGTAGACAGCAGCAAGCAATTTGAAGGTACAGTTGA-3'